The following is an entry in ClinVar:

ClinVar aggregate classification (germline): Uncertain significance (1 of 4 stars; one submission).

Allele frequency attached by ClinVar (database versions not stated): ExAC 0.00001; gnomAD 0.00002 and 0.00003; gnomAD exomes 0.00002.
gnomAD v4.1: 33 of 1,613,972 alleles (0.002%); highest among the groups gnomAD compares: Admixed American, 0.0083%; no homozygotes.

Submission:

Labcorp Genetics (formerly Invitae), Labcorp
Classification: Uncertain significance. Last evaluated: 2023-07-17. Review status: criteria provided, single submitter. Criteria: Invitae Variant Classification Sherloc (09022015). Collection method: clinical testing. Allele origin: germline.
Comment: This variant has not been reported in the literature in individuals affected with KLB-related conditions. This variant is present in population databases (rs755268107, gnomAD 0.009%). This sequence change replaces arginine, which is basic and polar, with histidine, which is basic and polar, at codon 25 of the KLB protein (p.Arg25His). ClinVar contains an entry for this variant (Variation ID: 1475038). In summary, the available evidence is currently insufficient to determine the role of this variant in disease. Therefore, it has been classified as a Variant of Uncertain Significance. Algorithms developed to predict the effect of missense changes on protein structure and function output the following: SIFT: "Not Available"; PolyPhen-2: "Benign"; Align-GVGD: "Not Available". The histidine amino acid residue is found in multiple mammalian species, which suggests that this missense change does not adversely affect protein function.

NM_175737.4(KLB):c.74G>A (p.Arg25His)

Gene: KLB (klotho beta; plus strand). Cytogenetic location: 4p14.
Variant type: single nucleotide variant.
Coding change: c.74G>A on transcript NM_175737.4 (MANE Select); coding-DNA position 74, G replaced by A.
Protein change: p.Arg25His; replaces arginine 25 with histidine.
Molecular consequence: missense variant.
Genome position (GRCh38, 1-based): chr4:39,407,023, G>A. VCF-style: chr4-39407023-G-A. GRCh37 (hg19) VCF-style: chr4-39408643-G-A.
Other names: short protein forms R25H.
Identifiers: ClinVar variation 1475038 (VCV001475038.6), dbSNP rs755268107, ClinGen allele CA2893605.
Genomic context (GRCh38, chr4:39,407,023, plus strand): 5'-GTGCGGCAGGATCTCCAGGGAATGAATGGATTTTCTTCAGCACTGATGAAATAACCACAC[G>A]CTATAGGAATACAATGTCCAACGGGGGATTGCAAAGATCTGTCATCCTGTCAGCACTTAT-3'
Protein context (NP_783864.1, residues 15-35): IFFSTDEITT[Arg25His]YRNTMSNGGL